The following is an entry in ClinVar:

ClinVar aggregate classification (germline): Likely benign. Review status: criteria provided, multiple submitters, no conflicts (2 of 4 stars). 3 submissions from 3 submitters: Likely benign (2). 1 of the submissions does not count toward it. Last evaluated 2024-05-01.

Allele frequency attached by ClinVar (database versions not stated): TOPMed 0.00076; gnomAD exomes 0.00088 and 0.00126; ExAC 0.00098; gnomAD 0.00121; ESP Exome Variant Server 0.00138.
gnomAD v4.1: 1,877 of 1,557,338 alleles (0.12%); highest among the groups gnomAD compares: Non-Finnish European, 0.15%; 2 homozygotes.

Submissions (3):

CeGaT Center for Human Genetics Tuebingen
Classification: Likely benign. Last evaluated: 2024-05-01. Review status: criteria provided, single submitter. Criteria: CeGaT Center For Human Genetics Tuebingen Variant Classification Criteria Version 2. Collection method: clinical testing. Allele origin: germline. Affected: yes. Observed: 1 variant allele.
Comment: CDK6: BP4, BP7

Labcorp Genetics (formerly Invitae), Labcorp
Classification: Likely benign. Last evaluated: 2019-12-31. Review status: criteria provided, single submitter. Criteria: Invitae Variant Classification Sherloc (09022015). Collection method: clinical testing. Allele origin: germline.

Genetic Services Laboratory, University of Chicago
Classification: Likely benign. Last evaluated: 2022-12-07. Review status: no assertion criteria provided. Collection method: clinical testing. Allele origin: germline. Affected: no. Not counted in ClinVar's aggregate classification.

NM_001145306.2(CDK6):c.546G>A (p.Thr182=)

Gene: CDK6 (cyclin dependent kinase 6; minus strand). Cytogenetic location: 7q21.2.
Variant type: single nucleotide variant.
Coding change: c.546G>A on transcript NM_001145306.2 (MANE Select); coding-DNA position 546, G replaced by A.
Protein change: p.Thr182=; no amino-acid change (threonine 182 retained).
Molecular consequence: synonymous variant.
Genome position (GRCh38, 1-based): chr7:92,671,527, C>T on the plus strand (G>A on the coding strand, the complement: CDK6 is on the minus strand). VCF-style: chr7-92671527-C-T. GRCh37 (hg19) VCF-style: chr7-92300841-C-T.
Other names: c.546G>A, p.Thr182= (NM_001259.8); c.546G>A (NM_001259.7).
Identifiers: ClinVar variation 719802 (VCV000719802.25), dbSNP rs150126273, ClinGen allele CA4342371.